The following is an entry in ClinVar:

NM_018941.4(CLN8):c.371C>A (p.Ser124Tyr)

Gene: CLN8 (CLN8 transmembrane ER and ERGIC protein; plus strand). Cytogenetic location: 8p23.3.
Variant type: single nucleotide variant.
Coding change: c.371C>A on transcript NM_018941.4 (MANE Select); coding-DNA position 371, C replaced by A.
Protein change: p.Ser124Tyr; replaces serine 124 with tyrosine.
Molecular consequence: missense variant.
Genome position (GRCh38, 1-based): chr8:1,771,425, C>A. VCF-style: chr8-1771425-C-A. GRCh37 (hg19) VCF-style: chr8-1719591-C-A.
Other names: c.371C>A (NM_018941.3); short protein forms S124Y.
Identifiers: ClinVar variation 991259 (VCV000991259.5), dbSNP rs1198837795, ClinGen allele CA369953428.

ClinVar aggregate classification (germline): Uncertain significance. Review status: criteria provided, multiple submitters, no conflicts (2 of 4 stars). 3 submissions from 3 submitters: Uncertain significance (2). 1 of the submissions does not count toward it. Last evaluated 2025-04-02.

Conditions:
Inborn genetic diseases. Identifiers: MedGen C0950123, MeSH D030342.
Neuronal ceroid lipofuscinosis. Also called: Neuronal Ceroid Lipofuscinoses. Identifiers: Orphanet 216, Orphanet 79263, MedGen C0027877, MONDO:0016295. Disease mechanism: loss of function.
Neuronal ceroid lipofuscinosis 8 (CLN8). Also called: CLN8-Related Neuronal Ceroid-Lipofuscinosis. Identifiers: Orphanet 168491, Orphanet 228354, Orphanet 79264, MedGen C1838570, MONDO:0010830, OMIM 600143.

Allele frequency attached by ClinVar (database versions not stated): TOPMed below 0.00001.

Submissions (3):

Ambry Genetics
Classification: Uncertain significance for Inborn genetic diseases. Last evaluated: 2025-04-02. Review status: criteria provided, single submitter. Criteria: Ambry Variant Classification Scheme 2023. Collection method: clinical testing. Allele origin: germline.

Labcorp Genetics (formerly Invitae), Labcorp
Classification: Uncertain significance for Neuronal ceroid lipofuscinosis. Last evaluated: 2020-07-13. Review status: criteria provided, single submitter. Criteria: Invitae Variant Classification Sherloc (09022015). Collection method: clinical testing. Allele origin: germline.
Comment: This sequence change replaces serine with tyrosine at codon 124 of the CLN8 protein (p.Ser124Tyr). The serine residue is highly conserved and there is a large physicochemical difference between serine and tyrosine. In summary, the available evidence is currently insufficient to determine the role of this variant in disease. Therefore, it has been classified as a Variant of Uncertain Significance. Algorithms developed to predict the effect of missense changes on protein structure and function are either unavailable or do not agree on the potential impact of this missense change (SIFT: "Deleterious"; PolyPhen-2: "Possibly Damaging"; Align-GVGD: "Class C15"). This variant has not been reported in the literature in individuals with CLN8-related conditions. This variant is not present in population databases (ExAC no frequency).

Natera, Inc.
Classification: Uncertain significance for Neuronal ceroid lipofuscinosis 8. Last evaluated: 2020-08-21. Review status: no assertion criteria provided. Collection method: clinical testing. Allele origin: germline. Not counted in ClinVar's aggregate classification.